The following is an entry in ClinVar:

ClinVar aggregate classification (germline): Pathogenic/Likely pathogenic. Review status: criteria provided, multiple submitters, no conflicts (2 of 4 stars). 3 submissions from 3 submitters: Pathogenic (1); Likely pathogenic (2). Last evaluated 2024-11-27.

Conditions:
Neuronal ceroid lipofuscinosis. Also called: Neuronal Ceroid Lipofuscinoses. Identifiers: Orphanet 216, Orphanet 79263, MedGen C0027877, MONDO:0016295. Disease mechanism: loss of function.
Neuronal ceroid lipofuscinosis 5 (CLN5). Also called: CLN5-Related Neuronal Ceroid-Lipofuscinosis; CEROID LIPOFUSCINOSIS, NEURONAL, 5, VARIABLE AGE AT ONSET; Neuronal ceroid lipofuscinosis Finnish variant; NEURONAL CEROID LIPOFUSCINOSIS, LATE INFANTILE, FINNISH VARIANT. Identifiers: Orphanet 168491, Orphanet 228360, MedGen C1850442, MONDO:0009745, OMIM 256731.

Submissions (3):

Natera, Inc.
Classification: Likely pathogenic for Neuronal ceroid lipofuscinosis. Last evaluated: 2024-11-27. Review status: criteria provided, single submitter. Criteria: Natera Variant Classification Schema (03/2026). Collection method: clinical testing. Allele origin: germline.
Comment: The c.578_579del variant in CLN5 is a frameshift variant predicted to shift the reading frame beginning at codon 193 and leads to a stop codon 8 codons downstream. This variant is expected to result in nonsense mediated decay, truncation, or a dysfunctional protein product. This variant is rare in the general population with a frequency below the threshold expected for the associated phenotype(s). Given the available evidence, this variant is classified as Likely Pathogenic.

Labcorp Genetics (formerly Invitae), Labcorp
Classification: Pathogenic for Neuronal ceroid lipofuscinosis. Last evaluated: 2023-10-24. Review status: criteria provided, single submitter. Criteria: Invitae Variant Classification Sherloc (09022015). Collection method: clinical testing. Allele origin: germline.
Comment: This sequence change creates a premature translational stop signal (p.Cys193Tyrfs*8) in the CLN5 gene. It is expected to result in an absent or disrupted protein product. Loss-of-function variants in CLN5 are known to be pathogenic (PMID: 20157158). This variant is not present in population databases (gnomAD no frequency). This variant has not been reported in the literature in individuals affected with CLN5-related conditions. For these reasons, this variant has been classified as Pathogenic.

Baylor Genetics
Classification: Likely pathogenic for Neuronal ceroid lipofuscinosis 5. Last evaluated: 2023-06-17. Review status: criteria provided, single submitter. Criteria: ACMG Guidelines, 2015. Collection method: clinical testing. Allele origin: unknown.

Literature cited by the submitters: PubMed 20157158 (cited by Labcorp Genetics (formerly Invitae), Labcorp).

NM_006493.4(CLN5):c.431_432del (p.Cys144fs)

Gene: CLN5 (CLN5 lysosomal BMP synthase; plus strand). Cytogenetic location: 13q22.3.
Variant type: Deletion.
Coding change: c.431_432del on transcript NM_006493.4 (MANE Select); coding-DNA positions 431 to 432, 2 bases deleted (GT; older notation c.431_432delGT).
Protein change: p.Cys144fs; shifts the reading frame from cysteine 144.
Molecular consequence: frameshift variant.
Genome position (GRCh38, 1-based): chr13:76,995,993-76,995,994, GT deleted; deleting any 2 consecutive bases within chr13:76,995,992-76,995,994 gives the same sequence; the c. name uses the placement nearest the transcript's 3' end. VCF-style (leftmost placement, unchanged base first): chr13-76995991-CTG-C. GRCh37 (hg19) VCF-style: chr13-77570126-CTG-C.
Other names: c.578_579del (NM_006493.2); c.431_432del, p.Cys144fs (NM_001366624.2); short protein forms C144fs.
Identifiers: ClinVar variation 2680836 (VCV002680836.5), dbSNP rs2501139942, ClinGen allele CA2623298532.